The following is an entry in ClinVar:

NM_001244008.2(KIF1A):c.4361C>T (p.Ala1454Val)

Gene: KIF1A (kinesin family member 1A; minus strand). Cytogenetic location: 2q37.3.
Variant type: single nucleotide variant.
Coding change: c.4361C>T on transcript NM_001244008.2 (MANE Select); coding-DNA position 4361, C replaced by T.
Protein change: p.Ala1454Val; replaces alanine 1454 with valine.
Molecular consequence: missense variant.
Genome position (GRCh38, 1-based): chr2:240,723,516, G>A on the plus strand (C>T on the coding strand, the complement: KIF1A is on the minus strand). VCF-style: chr2-240723516-G-A. GRCh37 (hg19) VCF-style: chr2-241662933-G-A.
Other names: c.4085C>T, p.Ala1362Val (NM_001320705.2, NM_001379649.1); c.4112C>T, p.Ala1371Val (NM_001330289.2); c.4160C>T, p.Ala1387Val (NM_001330290.2, NM_001379648.1); c.4436C>T, p.Ala1479Val (NM_001379631.1); c.4337C>T, p.Ala1446Val (NM_001379632.1); c.4334C>T, p.Ala1445Val (NM_001379633.1, NM_001379645.1); c.4187C>T, p.Ala1396Val (NM_001379634.1); c.4184C>T, p.Ala1395Val (NM_001379635.1, NM_001379646.1); and 7 more; short protein forms A1352V, A1361V, A1370V, A1387V, A1446V, A1353V, A1378V, A1479V.
Identifiers: ClinVar variation 957598 (VCV000957598.10), dbSNP rs1323387485, ClinGen allele CA351305462.

ClinVar aggregate classification (germline): Uncertain significance (1 of 4 stars; one submission).

Conditions:
Neuropathy, hereditary sensory, type 2C. Also called: Hereditary sensory and autonomic neuropathy type IIC; KIF1A-Related HSAN2 (HSAN2C). Identifiers: Orphanet 970, MedGen C3280168, MONDO:0013634, OMIM 614213.
Intellectual disability, autosomal dominant 9 (NESCAVS). Also called: KIF1A-Related Neurodevelopmental Disorder; NESCAV SYNDROME. Identifiers: Orphanet 662367, MedGen C5393830, MONDO:0013656, OMIM 614255.
Hereditary spastic paraplegia 30. Identifiers: Orphanet 101010, MedGen C5235139, MONDO:0012476.

Submission:

Labcorp Genetics (formerly Invitae), Labcorp
Classification: Uncertain significance for Hereditary spastic paraplegia 30; Neuropathy, hereditary sensory, type 2C; Intellectual disability, autosomal dominant 9. Last evaluated: 2019-11-15. Review status: criteria provided, single submitter. Criteria: Invitae Variant Classification Sherloc (09022015). Collection method: clinical testing. Allele origin: germline.
Comment: In summary, the available evidence is currently insufficient to determine the role of this variant in disease. Therefore, it has been classified as a Variant of Uncertain Significance. Algorithms developed to predict the effect of missense changes on protein structure and function (SIFT, PolyPhen-2, Align-GVGD) all suggest that this variant is likely to be tolerated, but these predictions have not been confirmed by published functional studies and their clinical significance is uncertain. This variant has not been reported in the literature in individuals with KIF1A-related conditions. This variant is not present in population databases (ExAC no frequency). This sequence change replaces alanine with valine at codon 1353 of the KIF1A protein (p.Ala1353Val). The alanine residue is highly conserved and there is a small physicochemical difference between alanine and valine.